The following is an entry in ClinVar:

NM_001963.6(EGF):c.1270C>T (p.Pro424Ser)

Gene: EGF (epidermal growth factor; plus strand). Cytogenetic location: 4q25.
Variant type: single nucleotide variant.
Coding change: c.1270C>T on transcript NM_001963.6 (MANE Select); coding-DNA position 1270, C replaced by T.
Protein change: p.Pro424Ser; replaces proline 424 with serine.
Molecular consequence: missense variant.
Genome position (GRCh38, 1-based): chr4:109,961,943, C>T. VCF-style: chr4-109961943-C-T. GRCh37 (hg19) VCF-style: chr4-110883099-C-T.
Other names: c.1270C>T, p.Pro424Ser (NM_001178130.3); c.1144C>T, p.Pro382Ser (NM_001178131.3, NM_001357021.2); short protein forms P424S, P382S.
Identifiers: ClinVar variation 1945368 (VCV001945368.5), dbSNP rs146224376, ClinGen allele CA3043625.

ClinVar aggregate classification (germline): Uncertain significance (1 of 4 stars; one submission).

Allele frequency attached by ClinVar (database versions not stated): ExAC 0.00001; gnomAD 0.00001; 1000 Genomes Project 30x 0.00016; 1000 Genomes Project 0.00020.
gnomAD v4.1: 2 of 1,613,900 alleles (0.00012%); highest among the groups gnomAD compares: African/African-American, 0.0013%; no homozygotes.

Submission:

Labcorp Genetics (formerly Invitae), Labcorp
Classification: Uncertain significance. Last evaluated: 2022-08-25. Review status: criteria provided, single submitter. Criteria: Invitae Variant Classification Sherloc (09022015). Collection method: clinical testing. Allele origin: germline.
Comment: In summary, the available evidence is currently insufficient to determine the role of this variant in disease. Therefore, it has been classified as a Variant of Uncertain Significance. Algorithms developed to predict the effect of missense changes on protein structure and function are either unavailable or do not agree on the potential impact of this missense change (SIFT: "Not Available"; PolyPhen-2: "Probably Damaging"; Align-GVGD: "Not Available"). This variant has not been reported in the literature in individuals affected with EGF-related conditions. This variant is present in population databases (rs146224376, gnomAD 0.007%). This sequence change replaces proline, which is neutral and non-polar, with serine, which is neutral and polar, at codon 424 of the EGF protein (p.Pro424Ser).